The following is an entry in ClinVar:

ClinVar aggregate classification (germline): Conflicting classifications of pathogenicity. Review status: criteria provided, conflicting classifications (1 of 4 stars). 10 submissions from 10 submitters: Uncertain significance (1); Benign (5); Likely benign (4). Last evaluated 2026-02-03.

Conditions:
Primary ciliary dyskinesia. Also called: Ciliary dyskinesia. Identifiers: Orphanet 244, MedGen C0008780, MONDO:0016575, HP:0012265.
Primary ciliary dyskinesia 10. Also called: CILIARY DYSKINESIA, PRIMARY, 10, WITH OR WITHOUT SITUS INVERSUS. Identifiers: Orphanet 244, MedGen C2675867, MONDO:0012918, OMIM 612518.

Allele frequency attached by ClinVar (database versions not stated): ESP Exome Variant Server 0.00231; gnomAD 0.00232 and 0.00287; 1000 Genomes Project 0.00260; 1000 Genomes Project 30x 0.00265; TOPMed 0.00376.

Submissions (10):

Labcorp Genetics (formerly Invitae), Labcorp
Classification: Benign for Primary ciliary dyskinesia. Last evaluated: 2026-02-03. Review status: criteria provided, single submitter. Criteria: Invitae Variant Classification Sherloc (09022015). Collection method: clinical testing. Allele origin: germline.

Blueprint Genetics
Classification: Likely benign. Last evaluated: 2024-11-21. Review status: criteria provided, single submitter. Criteria: ACMG Guidelines, 2015. Collection method: clinical testing. Allele origin: germline.

ARUP Laboratories, Molecular Genetics and Genomics, ARUP Laboratories
Classification: Benign for Primary ciliary dyskinesia 10. Last evaluated: 2024-11-04. Review status: criteria provided, single submitter. Criteria: ARUP Molecular Germline Variant Investigation Process 2024. Collection method: clinical testing. Allele origin: germline.

CeGaT Center for Human Genetics Tuebingen
Classification: Likely benign. Last evaluated: 2024-11-01. Review status: criteria provided, single submitter. Criteria: CeGaT Center For Human Genetics Tuebingen Variant Classification Criteria Version 2. Collection method: clinical testing. Allele origin: germline. Affected: yes. Observed: 1 variant allele.
Comment: DNAAF2: BP4, BP7

GeneDx
Classification: Likely benign. Last evaluated: 2020-03-03. Review status: criteria provided, single submitter. Criteria: GeneDx Variant Classification Process June 2021. Collection method: clinical testing. Allele origin: germline. Affected: yes.

Illumina Laboratory Services, Illumina
Classification: Likely benign for Primary ciliary dyskinesia 10. Last evaluated: 2018-01-13. Review status: criteria provided, single submitter. Criteria: ICSL Variant Classification Criteria 13 December 2019. Collection method: clinical testing. Allele origin: germline.
Comment: This variant was observed in the ICSL laboratory as part of a predisposition screen in an ostensibly healthy population. It had not been previously curated by ICSL or reported in the Human Gene Mutation Database (HGMD: prior to June 1st, 2018), and was therefore a candidate for classification through an automated scoring system. Utilizing variant allele frequency, disease prevalence and penetrance estimates, and inheritance mode, an automated score was calculated to assess if this variant is too frequent to cause the disease. Based on the score and internal cut-off values, a variant classified as likely benign is not then subjected to further curation. The score for this variant resulted in a classification of likely benign for this disease.

Ambry Genetics
Classification: Benign for Primary ciliary dyskinesia. Last evaluated: 2015-08-06. Review status: criteria provided, single submitter. Criteria: Ambry Variant Classification Scheme 2023. Collection method: clinical testing. Allele origin: germline.

Eurofins Ntd Llc (ga)
Classification: Uncertain significance. Last evaluated: 2014-07-29. Review status: criteria provided, single submitter. Criteria: EGL Classification Definitions 2015. Collection method: clinical testing. Allele origin: germline. Observed: 1 variant allele, 1 heterozygote.

Laboratory for Molecular Medicine, Mass General Brigham Personalized Medicine
Classification: Benign. Last evaluated: 2013-02-21. Review status: criteria provided, single submitter. Criteria: LMM Criteria. Collection method: clinical testing. Allele origin: germline. Observed: 1 variant allele.
Comment: Pro651Pro in exon 2 of DNAAF2: This variant is not expected to have clinical sig nificance because it does not alter an amino acid residue and is not located wit hin the splice consensus sequence. It has been identified in 0.3% (27/8598) of E uropean American chromosomes from a broad population by the NHLBI Exome Sequenci ng Project (dbSNP rs34352773).

PreventionGenetics, part of Exact Sciences
Classification: Benign. Review status: criteria provided, single submitter. Criteria: ACMG Guidelines, 2015. Collection method: clinical testing. Allele origin: germline.

NM_018139.3(DNAAF2):c.1953A>G (p.Pro651=)

Gene: DNAAF2 (dynein axonemal assembly factor 2; minus strand). Cytogenetic location: 14q21.3.
Variant type: single nucleotide variant.
Coding change: c.1953A>G on transcript NM_018139.3 (MANE Select); coding-DNA position 1953, A replaced by G.
Protein change: p.Pro651=; no amino-acid change (proline 651 retained).
Molecular consequence: synonymous variant. On other transcripts: intron variant (2).
Genome position (GRCh38, 1-based): chr14:49,628,066, T>C on the plus strand (A>G on the coding strand, the complement: DNAAF2 is on the minus strand). VCF-style: chr14-49628066-T-C. GRCh37 (hg19) VCF-style: chr14-50094784-T-C.
Other names: c.1864-2018A>G (NM_001083908.2); c.-204-2018A>G (NM_001378453.1).
Identifiers: ClinVar variation 195338 (VCV000195338.45), dbSNP rs34352773, ClinGen allele CA241738.